The following is an entry in ClinVar:

NM_001395656.1(ROBO2):c.94C>A (p.Arg32=)

Gene: ROBO2 (roundabout guidance receptor 2; plus strand). Cytogenetic location: 3p12.3.
Variant type: single nucleotide variant.
Coding change: c.94C>A on transcript NM_001395656.1 (MANE Select); coding-DNA position 94, C replaced by A.
Protein change: p.Arg32=; no amino-acid change (arginine 32 retained).
Molecular consequence: synonymous variant. On other transcripts: 5 prime UTR variant (1).
Genome position (GRCh38, 1-based): chr3:77,098,046, C>A. VCF-style: chr3-77098046-C-A. GRCh37 (hg19) VCF-style: chr3-77147197-C-A.
Other names: p.Arg32=; c.142C>A, p.Arg48= (NM_001128929.3, NM_001378190.1, NM_001378191.1 and 5 more transcripts); c.94C>A, p.Arg32= (NM_001290039.2, NM_001290040.2, NM_001378193.1 and 3 more transcripts); c.-1825C>A (NM_001290065.2); c.163C>A, p.Arg55= (NM_001378192.1, NM_001378194.1, NM_001378198.1 and 5 more transcripts).
Identifiers: ClinVar variation 346675 (VCV000346675.16), dbSNP rs6788280, ClinGen allele CA2496648.

ClinVar aggregate classification (germline): Benign. Review status: criteria provided, multiple submitters, no conflicts (2 of 4 stars). 5 submissions from 5 submitters: Benign (5). Last evaluated 2026-01-28.

Conditions:
Vesicoureteral reflux 2 (VUR2). Identifiers: Orphanet 289365, MedGen C1970483, MONDO:0012573, OMIM 610878.

Allele frequency attached by ClinVar (database versions not stated): ExAC 0.01825; gnomAD 0.05471 and 0.05845; ESP Exome Variant Server 0.05715; TOPMed 0.06203; 1000 Genomes Project 0.06230; 1000 Genomes Project 30x 0.06902.
gnomAD v4.1: 16,000 of 1,580,932 alleles (1%); highest among the groups gnomAD compares: African/African-American, 19%; 1,329 homozygotes.

Submissions (5):

Labcorp Genetics (formerly Invitae), Labcorp
Classification: Benign. Last evaluated: 2026-01-28. Review status: criteria provided, single submitter. Criteria: Invitae Variant Classification Sherloc (09022015). Collection method: clinical testing. Allele origin: germline.

Mayo Clinic Laboratories, Mayo Clinic
Classification: Benign. Last evaluated: 2023-04-10. Review status: criteria provided, single submitter. Criteria: ACMG Guidelines, 2015. Collection method: clinical testing. Allele origin: germline. Observed: 6 variant alleles.

GeneDx
Classification: Benign. Last evaluated: 2021-06-10. Review status: criteria provided, single submitter. Criteria: GeneDx Variant Classification Process June 2021. Collection method: clinical testing. Allele origin: germline. Affected: yes.

Illumina Laboratory Services, Illumina
Classification: Benign for Vesicoureteral reflux 2. Last evaluated: 2018-01-13. Review status: criteria provided, single submitter. Criteria: ICSL Variant Classification Criteria 13 December 2019. Collection method: clinical testing. Allele origin: germline.
Comment: This variant was observed in the ICSL laboratory as part of a predisposition screen in an ostensibly healthy population. It had not been previously curated by ICSL or reported in the Human Gene Mutation Database (HGMD: prior to June 1st, 2018), and was therefore a candidate for classification through an automated scoring system. Utilizing variant allele frequency, disease prevalence and penetrance estimates, and inheritance mode, an automated score was calculated to assess if this variant is too frequent to cause the disease. Based on the score and internal cut-off values, a variant classified as benign is not then subjected to further curation. The score for this variant resulted in a classification of benign for this disease.

Breakthrough Genomics
Classification: Benign. Review status: criteria provided, single submitter. Criteria: ACMG Guidelines, 2015. Collection method: not provided. Allele origin: germline. Inheritance: Autosomal dominant inheritance. Affected: yes.